The following is an entry in ClinVar:

ClinVar aggregate classification (germline): Uncertain significance (1 of 4 stars; one submission).

Allele frequency attached by ClinVar (database versions not stated): TOPMed below 0.00001; gnomAD 0.00001.
gnomAD v4.1: 2 of 1,613,912 alleles (0.00012%); highest among the groups gnomAD compares: African/African-American, 0.0013%; no homozygotes.

Submission:

Labcorp Genetics (formerly Invitae), Labcorp
Classification: Uncertain significance. Last evaluated: 2021-12-18. Review status: criteria provided, single submitter. Criteria: Invitae Variant Classification Sherloc (09022015). Collection method: clinical testing. Allele origin: germline.
Comment: This sequence change replaces isoleucine, which is neutral and non-polar, with asparagine, which is neutral and polar, at codon 208 of the GNAT1 protein (p.Ile208Asn). This variant is not present in population databases (gnomAD no frequency). This variant has not been reported in the literature in individuals affected with GNAT1-related conditions. Algorithms developed to predict the effect of missense changes on protein structure and function are either unavailable or do not agree on the potential impact of this missense change (SIFT: "Deleterious"; PolyPhen-2: "Possibly Damaging"; Align-GVGD: "Class C0"). In summary, the available evidence is currently insufficient to determine the role of this variant in disease. Therefore, it has been classified as a Variant of Uncertain Significance.

NM_144499.3(GNAT1):c.623T>A (p.Ile208Asn)

Gene: GNAT1 (G protein subunit alpha transducin 1; plus strand). Cytogenetic location: 3p21.31.
Variant type: single nucleotide variant.
Coding change: c.623T>A on transcript NM_144499.3 (MANE Select); coding-DNA position 623, T replaced by A.
Protein change: p.Ile208Asn; replaces isoleucine 208 with asparagine.
Molecular consequence: missense variant.
Genome position (GRCh38, 1-based): chr3:50,194,136, T>A. VCF-style: chr3-50194136-T-A. GRCh37 (hg19) VCF-style: chr3-50231569-T-A.
Other names: c.623T>A, p.Ile208Asn (NM_000172.4); short protein forms I208N.
Identifiers: ClinVar variation 1956890 (VCV001956890.5), dbSNP rs1448085077, ClinGen allele CA352916946.